The following is an entry in ClinVar:

ClinVar aggregate classification (germline): Uncertain significance (1 of 4 stars; one submission).

Submission:

Labcorp Genetics (formerly Invitae), Labcorp
Classification: Uncertain significance. Last evaluated: 2022-05-18. Review status: criteria provided, single submitter. Criteria: Invitae Variant Classification Sherloc (09022015). Collection method: clinical testing. Allele origin: germline.
Comment: This variant has not been reported in the literature in individuals affected with PDE6C-related conditions. This sequence change replaces alanine, which is neutral and non-polar, with valine, which is neutral and non-polar, at codon 675 of the PDE6C protein (p.Ala675Val). This variant is not present in population databases (gnomAD no frequency). Algorithms developed to predict the effect of missense changes on protein structure and function (SIFT, PolyPhen-2, Align-GVGD) all suggest that this variant is likely to be disruptive. In summary, the available evidence is currently insufficient to determine the role of this variant in disease. Therefore, it has been classified as a Variant of Uncertain Significance.

NM_006204.4(PDE6C):c.2024C>T (p.Ala675Val)

Gene: PDE6C (phosphodiesterase 6C; plus strand). Cytogenetic location: 10q23.33.
Variant type: single nucleotide variant.
Coding change: c.2024C>T on transcript NM_006204.4 (MANE Select); coding-DNA position 2024, C replaced by T.
Protein change: p.Ala675Val; replaces alanine 675 with valine.
Molecular consequence: missense variant.
Genome position (GRCh38, 1-based): chr10:93,655,848, C>T. VCF-style: chr10-93655848-C-T. GRCh37 (hg19) VCF-style: chr10-95415605-C-T.
Other names: short protein forms A675V.
Identifiers: ClinVar variation 2129405 (VCV002129405.4), dbSNP rs2492557206, ClinGen allele CA377623148.